The following is an entry in ClinVar:

ClinVar aggregate classification (germline): Uncertain significance (1 of 4 stars; one submission).

Conditions:
Epidermolysis bullosa simplex 5C, with pyloric atresia (EBS5C). Also called: PLEC-Related Epidermolysis Bullosa with Pyloric Atresia; Epidermolysis bullosa simplex with pyloric atresia; PLEC1-Related Epidermolysis Bullosa with Pyloric Atresia. Identifiers: Orphanet 158684, MedGen C2677349, MONDO:0012807, OMIM 612138.
Epidermolysis bullosa simplex with nail dystrophy (EBS5D). Identifiers: MedGen C4225309, MONDO:0014661, OMIM 616487.
Epidermolysis bullosa simplex 5B, with muscular dystrophy (EBS5B). Also called: Epidermolysis bullosa simplex with muscular dystrophy; EPIDERMOLYSIS BULLOSA SIMPLEX AND LIMB-GIRDLE MUSCULAR DYSTROPHY. Identifiers: Orphanet 257, MedGen C2931072, MONDO:0009181, OMIM 226670.
Autosomal recessive limb-girdle muscular dystrophy type 2Q (LGMDR17). Also called: MUSCULAR DYSTROPHY, LIMB-GIRDLE, AUTOSOMAL RECESSIVE 17. Identifiers: Orphanet 254361, MedGen C3150989, MONDO:0013390, OMIM 613723.
Epidermolysis bullosa simplex, Ogna type (EBS5A). Also called: Pidermolysis bullosa simplex 5A, Ogna type; EPIDERMOLYSIS BULLOSA SIMPLEX 5A, OGNA TYPE. Identifiers: Orphanet 79401, MedGen C0432317, MONDO:0007555, OMIM 131950.

Allele frequency attached by ClinVar (database versions not stated): TOPMed 0.00001.
gnomAD v4.1: 6 of 1,611,624 alleles (0.00037%); highest among the groups gnomAD compares: Non-Finnish European, 0.00051%; no homozygotes.

Submission:

Labcorp Genetics (formerly Invitae), Labcorp
Classification: Uncertain significance for Autosomal recessive limb-girdle muscular dystrophy type 2Q; Epidermolysis bullosa simplex, Ogna type; Epidermolysis bullosa simplex with nail dystrophy; Epidermolysis bullosa simplex 5C, with pyloric atresia; Epidermolysis bullosa simplex 5B, with muscular dystrophy. Last evaluated: 2023-08-04. Review status: criteria provided, single submitter. Criteria: Invitae Variant Classification Sherloc (09022015). Collection method: clinical testing. Allele origin: germline.
Comment: In summary, the available evidence is currently insufficient to determine the role of this variant in disease. Therefore, it has been classified as a Variant of Uncertain Significance. Advanced modeling of protein sequence and biophysical properties (such as structural, functional, and spatial information, amino acid conservation, physicochemical variation, residue mobility, and thermodynamic stability) performed at Invitae indicates that this missense variant is not expected to disrupt PLEC protein function. ClinVar contains an entry for this variant (Variation ID: 570029). This variant has not been reported in the literature in individuals affected with PLEC-related conditions. This variant is not present in population databases (gnomAD no frequency). This sequence change replaces glutamic acid, which is acidic and polar, with glutamine, which is neutral and polar, at codon 339 of the PLEC protein (p.Glu339Gln).

NM_201384.3(PLEC):c.934G>C (p.Glu312Gln)

Gene: PLEC (plectin; minus strand). Cytogenetic location: 8q24.3.
Variant type: single nucleotide variant.
Coding change: c.934G>C on transcript NM_201384.3 (MANE Select); coding-DNA position 934, G replaced by C.
Protein change: p.Glu312Gln; replaces glutamic acid 312 with glutamine.
Molecular consequence: missense variant.
Genome position (GRCh38, 1-based): chr8:143,934,821, C>G on the plus strand (G>C on the coding strand, the complement: PLEC is on the minus strand). VCF-style: chr8-143934821-C-G. GRCh37 (hg19) VCF-style: chr8-145008989-C-G.
Other names: c.1015G>C, p.Glu339Gln (NM_000445.5); c.892G>C, p.Glu298Gln (NM_201378.4); c.868G>C, p.Glu290Gln (NM_201379.3); c.1345G>C, p.Glu449Gln (NM_201380.4); c.838G>C, p.Glu280Gln (NM_201381.3); c.934G>C, p.Glu312Gln (NM_201382.4); c.946G>C, p.Glu316Gln (NM_201383.3); short protein forms E312Q, E339Q, E316Q, E280Q, E298Q, E290Q, E449Q.
Identifiers: ClinVar variation 570029 (VCV000570029.6), dbSNP rs577853547, ClinGen allele CA372585943.